The following is an entry in ClinVar:

NM_017633.3(TENT5A):c.137G>A (p.Gly46Asp)

Gene: TENT5A (terminal nucleotidyltransferase 5A; minus strand). Cytogenetic location: 6q14.1.
Variant type: single nucleotide variant.
Coding change: c.137G>A on transcript NM_017633.3 (MANE Select); coding-DNA position 137, G replaced by A.
Protein change: p.Gly46Asp; replaces glycine 46 with aspartic acid.
Molecular consequence: missense variant.
Genome position (GRCh38, 1-based): chr6:81,752,005, C>T on the plus strand (G>A on the coding strand, the complement: TENT5A is on the minus strand). VCF-style: chr6-81752005-C-T. GRCh37 (hg19) VCF-style: chr6-82461722-C-T.
Other names: short protein forms G46D.
Identifiers: ClinVar variation 1680613 (VCV001680613.6), dbSNP rs1305763359, ClinGen allele CA365034578.

ClinVar aggregate classification (germline): Uncertain significance (1 of 4 stars; one submission).

Allele frequency attached by ClinVar (database versions not stated): TOPMed below 0.00001; gnomAD 0.00001 and 0.00002; gnomAD exomes 0.00001.

Submission:

Labcorp Genetics (formerly Invitae), Labcorp
Classification: Uncertain significance. Last evaluated: 2023-08-31. Review status: criteria provided, single submitter. Criteria: Invitae Variant Classification Sherloc (09022015). Collection method: clinical testing. Allele origin: germline.
Comment: This variant is present in population databases (no rsID available, gnomAD 0.002%). In summary, the available evidence is currently insufficient to determine the role of this variant in disease. Therefore, it has been classified as a Variant of Uncertain Significance. Algorithms developed to predict the effect of missense changes on protein structure and function output the following: SIFT: "Not Available"; PolyPhen-2: "Not Available"; Align-GVGD: "Not Available". The aspartic acid amino acid residue is found in multiple mammalian species, which suggests that this missense change does not adversely affect protein function. ClinVar contains an entry for this variant (Variation ID: 1680613). This variant has not been reported in the literature in individuals affected with FAM46A-related conditions. This sequence change replaces glycine, which is neutral and non-polar, with aspartic acid, which is acidic and polar, at codon 46 of the FAM46A protein (p.Gly46Asp).